The following is an entry in ClinVar:

ClinVar aggregate classification (germline): Uncertain significance (1 of 4 stars; one submission).

Submission:

CeGaT Center for Human Genetics Tuebingen
Classification: Uncertain significance. Last evaluated: 2025-03-01. Review status: criteria provided, single submitter. Criteria: CeGaT Center For Human Genetics Tuebingen Variant Classification Criteria Version 2. Collection method: clinical testing. Allele origin: germline. Affected: yes. Observed: 1 variant allele.
Comment: PKD1: PM2

NM_001009944.3(PKD1):c.11566C>G (p.Arg3856Gly)

Genes: PKD1 (polycystin 1, transient receptor potential channel interacting; minus strand), PKD1-AS1 (PKD1 antisense RNA 1; plus strand). Cytogenetic location: 16p13.3.
Variant type: single nucleotide variant.
Coding change: c.11566C>G on transcript NM_001009944.3 (MANE Select); coding-DNA position 11566, C replaced by G.
Protein change: p.Arg3856Gly; replaces arginine 3856 with glycine.
Molecular consequence: missense variant. On other transcripts: non-coding transcript variant (1).
Genome position (GRCh38, 1-based): chr16:2,091,569, G>C on the plus strand (C>G on the coding strand, the complement: PKD1 is on the minus strand). VCF-style: chr16-2091569-G-C. GRCh37 (hg19) VCF-style: chr16-2141570-G-C.
Other names: c.11563C>G, p.Arg3855Gly (NM_000296.4); short protein forms R3855G, R3856G.
Identifiers: ClinVar variation 3778586 (VCV003778586.7).